The following is an entry in ClinVar:

ClinVar aggregate classification (germline): Pathogenic (1 of 4 stars; one submission).

Submission:

GeneDx
Classification: Pathogenic. Last evaluated: 2017-07-27. Review status: criteria provided, single submitter. Criteria: GeneDx Variant Classification (06012015). Collection method: clinical testing. Allele origin: germline. Affected: yes.
Comment: The c.516dupC variant in the CTNS gene has been reported previously in an individual with infantile cystinosis who also harbored a second CTNS variant (Mason et al., 2003). The c.516dupC variant causes a frameshift starting with codon Tyrosine 173, changes this amino acid to a Leucine residue, and creates a premature Stop codon at position 55 of the new reading frame, denoted p.Tyr173LeufsX55. This variant is predicted to cause loss of normal protein function either through protein truncation or nonsense-mediated mRNA decay. The c.516dupC variant is not observed in large population cohorts (Lek et al., 2016; 1000 Genomes Consortium et al., 2015; Exome Variant Server). We interpret c.516dupC as a pathogenic variant.

NM_004937.3(CTNS):c.516dup (p.Tyr173fs)

Genes: CTNS (cystinosin, lysosomal cystine transporter; plus strand), CTNS-AS1 (CTNS antisense RNA 1; minus strand). Cytogenetic location: 17p13.2.
Variant type: Duplication.
Coding change: c.516dup on transcript NM_004937.3 (MANE Select); coding-DNA position 516, one base duplicated (C; older notation c.516dupC).
Protein change: p.Tyr173fs; shifts the reading frame from tyrosine 173.
Molecular consequence: frameshift variant.
Genome position (GRCh38, 1-based): chr17:3,656,541, C duplicated; the last of 2 consecutive C bases (chr17:3,656,540-3,656,541); duplicating either gives the same sequence. VCF-style (leftmost placement, unchanged base first): chr17-3656539-G-GC. GRCh37 (hg19) VCF-style: chr17-3559833-G-GC.
Other names: c.516dup, p.Tyr173fs (NM_001031681.3, NM_001374492.1); c.75dup, p.Tyr26fs (NM_001374493.1, NM_001374494.1, NM_001374495.1 and 1 more transcripts); c.516dupC (NM_004937.2); short protein forms Y173fs, Y26fs.
Identifiers: ClinVar variation 449354 (VCV000449354.2), dbSNP rs1555563441, ClinGen allele CA658658523.
Genomic context (GRCh38, chr17:3,656,539, plus strand): 5'-CCCTGCAGTGTCATTGGTCTGAGCTTCGACTTCGTGGCTCTGAACCTGACGGGCTTCGTG[G>GC]CCTACAGTGTATTCAACATCGGCCTCCTCTGGGTGCCCTACATCAAGGTACGGCCTTGCC-3'